The following is an entry in ClinVar:

NM_005219.5(DIAPH1):c.83C>G (p.Ser28Trp)

Gene: DIAPH1 (diaphanous related formin 1; minus strand). Cytogenetic location: 5q31.3.
Variant type: single nucleotide variant.
Coding change: c.83C>G on transcript NM_005219.5 (MANE Select); coding-DNA position 83, C replaced by G.
Protein change: p.Ser28Trp; replaces serine 28 with tryptophan.
Molecular consequence: missense variant.
Genome position (GRCh38, 1-based): chr5:141,618,832, G>C on the plus strand (C>G on the coding strand, the complement: DIAPH1 is on the minus strand). VCF-style: chr5-141618832-G-C. GRCh37 (hg19) VCF-style: chr5-140998399-G-C.
Other names: c.83C>G, p.Ser28Trp (NM_001079812.3, NM_001314007.2); short protein forms S28W.
Identifiers: ClinVar variation 963984 (VCV000963984.10), dbSNP rs771016727, ClinGen allele CA361508484.

ClinVar aggregate classification (germline): Uncertain significance (1 of 4 stars; one submission).

Conditions:
Autosomal dominant nonsyndromic hearing loss 1. Also called: KONIGSMARK SYNDROME; DEAFNESS, AUTOSOMAL DOMINANT 1, WITH OR WITHOUT THROMBOCYTOPENIA. Identifiers: Orphanet 90635, MedGen C1852282, MONDO:0007424, OMIM 124900.
Progressive microcephaly-seizures-cortical blindness-developmental delay syndrome. Also called: Seizures, cortical blindness, and microcephaly syndrome. Identifiers: Orphanet 477814, MedGen C5567650, MONDO:0014714, OMIM 616632.

gnomAD v4.1: 9 of 1,550,042 alleles (0.00058%); highest among the groups gnomAD compares: Non-Finnish European, 0.00078%; no homozygotes.

Submission:

Labcorp Genetics (formerly Invitae), Labcorp
Classification: Uncertain significance for Progressive microcephaly-seizures-cortical blindness-developmental delay syndrome; Autosomal dominant nonsyndromic hearing loss 1. Last evaluated: 2025-11-13. Review status: criteria provided, single submitter. Criteria: Invitae Variant Classification Sherloc (09022015). Collection method: clinical testing. Allele origin: germline.
Comment: This sequence change replaces serine, which is neutral and polar, with tryptophan, which is neutral and slightly polar, at codon 28 of the DIAPH1 protein (p.Ser28Trp). The frequency data for this variant in the population databases is considered unreliable, as metrics indicate poor data quality at this position in the gnomAD database. This variant has not been reported in the literature in individuals affected with DIAPH1-related conditions. ClinVar contains an entry for this variant (Variation ID: 963984). Experimental studies and prediction algorithms are not available or were not evaluated, and the functional significance of this variant is currently unknown. In summary, the available evidence is currently insufficient to determine the role of this variant in disease. Therefore, it has been classified as a Variant of Uncertain Significance.